The following is an entry in ClinVar:

ClinVar aggregate classification (germline): Uncertain significance. Review status: criteria provided, multiple submitters, no conflicts (2 of 4 stars). 2 submissions from 2 submitters: Uncertain significance (2). Last evaluated 2024-02-02.

Conditions:
Intellectual developmental disorder, X-linked 9. Also called: MENTAL RETARDATION, X-LINKED 44; Intellectual disability, X-linked 9. Identifiers: Orphanet 777, MedGen C0796215, MONDO:0010660, OMIM 309549.

Submissions (2):

Institute of Immunology and Genetics Kaiserslautern
Classification: Uncertain significance for Intellectual developmental disorder, X-linked 9. Last evaluated: 2024-02-02. Review status: criteria provided, single submitter. Criteria: ACMG Guidelines, 2015. Collection method: clinical testing. Allele origin: maternal. Affected: yes.
Comment: ACMG Criteria: PM2_P; Variant was found in hemizygous state

CeGaT Center for Human Genetics Tuebingen
Classification: Uncertain significance. Last evaluated: 2022-04-01. Review status: criteria provided, single submitter. Criteria: CeGaT Center For Human Genetics Tuebingen Variant Classification Criteria Version 2. Collection method: clinical testing. Allele origin: germline. Affected: yes. Observed: 1 variant allele.
Comment: FTSJ1: PM2, PS2:Moderate, PP3

NM_012280.4(FTSJ1):c.70C>T (p.Arg24Cys)

Gene: FTSJ1 (FtsJ RNA 2'-O-methyltransferase 1; plus strand). Cytogenetic location: Xp11.23.
Variant type: single nucleotide variant.
Coding change: c.70C>T on transcript NM_012280.4 (MANE Select); coding-DNA position 70, C replaced by T.
Protein change: p.Arg24Cys; replaces arginine 24 with cysteine.
Molecular consequence: missense variant. On other transcripts: intron variant (1).
Genome position (GRCh38, 1-based): chrX:48,478,117, C>T. VCF-style: chrX-48478117-C-T. GRCh37 (hg19) VCF-style: chrX-48336505-C-T.
Other names: c.70C>T, p.Arg24Cys (NM_001441195.1, NM_001441196.1, NM_001441197.1 and 4 more transcripts); c.-76-921C>T (NM_001282157.2); short protein forms R24C.
Identifiers: ClinVar variation 1695296 (VCV001695296.32), dbSNP rs2147089646, ClinGen allele CA412853575.